The following is an entry in ClinVar:

NM_001367624.2(ZNF469):c.3770G>A (p.Gly1257Glu)

Gene: ZNF469 (zinc finger protein 469; plus strand). Cytogenetic location: 16q24.2.
Variant type: single nucleotide variant.
Coding change: c.3770G>A on transcript NM_001367624.2 (MANE Select); coding-DNA position 3770, G replaced by A.
Protein change: p.Gly1257Glu; replaces glycine 1257 with glutamic acid.
Molecular consequence: missense variant.
Genome position (GRCh38, 1-based): chr16:88,431,240, G>A. VCF-style: chr16-88431240-G-A. GRCh37 (hg19) VCF-style: chr16-88497648-G-A.
Other names: short protein forms G1257E.
Identifiers: ClinVar variation 1977067 (VCV001977067.2), dbSNP rs957326954, ClinGen allele CA286375244.

ClinVar aggregate classification (germline): Uncertain significance (1 of 4 stars; one submission).

Allele frequency attached by ClinVar (database versions not stated): gnomAD exomes below 0.00001; TOPMed 0.00001.
gnomAD v4.1: 5 of 1,550,366 alleles (0.00032%); highest among the groups gnomAD compares: Non-Finnish European, 0.00044%; no homozygotes.

Submission:

Labcorp Genetics (formerly Invitae), Labcorp
Classification: Uncertain significance. Last evaluated: 2022-01-21. Review status: criteria provided, single submitter. Criteria: Invitae Variant Classification Sherloc (09022015). Collection method: clinical testing. Allele origin: germline.
Comment: This sequence change replaces glycine, which is neutral and non-polar, with glutamic acid, which is acidic and polar, at codon 1229 of the ZNF469 protein (p.Gly1229Glu). This variant is not present in population databases (gnomAD no frequency). This variant has not been reported in the literature in individuals affected with ZNF469-related conditions. Algorithms developed to predict the effect of missense changes on protein structure and function (SIFT, PolyPhen-2, Align-GVGD) all suggest that this variant is likely to be tolerated. In summary, the available evidence is currently insufficient to determine the role of this variant in disease. Therefore, it has been classified as a Variant of Uncertain Significance.